The following is an entry in ClinVar:

ClinVar aggregate classification (germline): Uncertain significance (1 of 4 stars; one submission).

Allele frequency attached by ClinVar (database versions not stated): ExAC 0.00001; gnomAD exomes 0.00001; TOPMed 0.00001; gnomAD 0.00003; ESP Exome Variant Server 0.00008.
gnomAD v4.1: 13 of 1,613,874 alleles (0.00081%); highest among the groups gnomAD compares: East Asian, 0.0067%; no homozygotes.

Submission:

Labcorp Genetics (formerly Invitae), Labcorp
Classification: Uncertain significance. Last evaluated: 2024-07-15. Review status: criteria provided, single submitter. Criteria: Invitae Variant Classification Sherloc (09022015). Collection method: clinical testing. Allele origin: germline.
Comment: This sequence change replaces aspartic acid, which is acidic and polar, with asparagine, which is neutral and polar, at codon 225 of the PTPN23 protein (p.Asp225Asn). This variant is present in population databases (rs367996199, gnomAD 0.02%). This variant has not been reported in the literature in individuals affected with PTPN23-related conditions. ClinVar contains an entry for this variant (Variation ID: 1990216). Experimental studies and prediction algorithms are not available or were not evaluated, and the functional significance of this variant is currently unknown. In summary, the available evidence is currently insufficient to determine the role of this variant in disease. Therefore, it has been classified as a Variant of Uncertain Significance.

NM_015466.4(PTPN23):c.673G>A (p.Asp225Asn)

Gene: PTPN23 (protein tyrosine phosphatase non-receptor type 23; plus strand). Cytogenetic location: 3p21.31.
Variant type: single nucleotide variant.
Coding change: c.673G>A on transcript NM_015466.4 (MANE Select); coding-DNA position 673, G replaced by A.
Protein change: p.Asp225Asn; replaces aspartic acid 225 with asparagine.
Molecular consequence: missense variant.
Genome position (GRCh38, 1-based): chr3:47,406,526, G>A. VCF-style: chr3-47406526-G-A. GRCh37 (hg19) VCF-style: chr3-47448016-G-A.
Other names: c.295G>A, p.Asp99Asn (NM_001304482.2); short protein forms D99N, D225N.
Identifiers: ClinVar variation 1990216 (VCV001990216.3), dbSNP rs367996199, ClinGen allele CA2365423.